The following is an entry in ClinVar:

ClinVar aggregate classification (germline): Uncertain significance (1 of 4 stars; one submission).

Submission:

Ambry Genetics
Classification: Uncertain significance. Last evaluated: 2026-03-21. Review status: criteria provided, single submitter. Criteria: Ambry Variant Classification Scheme 2023. Collection method: clinical testing. Allele origin: germline.
Comment: The p.P567R variant (also known as c.1700C>G), located in coding exon 2 of the CDK12 gene, results from a C to G substitution at nucleotide position 1700. The proline at codon 567 is replaced by arginine, an amino acid with dissimilar properties. This amino acid position is conserved. In addition, the in silico prediction for this alteration is inconclusive. Based on the available evidence, the clinical significance of this variant remains unclear.

NM_016507.4(CDK12):c.1700C>G (p.Pro567Arg)

Gene: CDK12 (cyclin dependent kinase 12; plus strand). Cytogenetic location: 17q12.
Variant type: single nucleotide variant.
Coding change: c.1700C>G on transcript NM_016507.4 (MANE Select); coding-DNA position 1700, C replaced by G.
Protein change: p.Pro567Arg; replaces proline 567 with arginine.
Molecular consequence: missense variant.
Genome position (GRCh38, 1-based): chr17:39,471,532, C>G. VCF-style: chr17-39471532-C-G. GRCh37 (hg19) VCF-style: chr17-37627785-C-G.
Other names: c.1700C>G, p.Pro567Arg (NM_015083.4); short protein forms P567R.
Identifiers: ClinVar variation 4868453 (VCV004868453.1).
Genomic context (GRCh38, chr17:39,471,532, plus strand): 5'-AGACACCCCCTTTGCCACCTTTGCCTCCAATACCAGCTCTTCCACAGCAACCACCTCTGC[C>G]TCCTTCTCAGCCAGCATTTAGTCAGGTTCCTGCTTCCAGTACTTCAACTTTGCCCCCTTC-3'
Protein context (NP_057591.2, residues 557-577): IPALPQQPPL[Pro567Arg]PSQPAFSQVP